The following is an entry in ClinVar:

ClinVar aggregate classification (germline): Uncertain significance. Review status: criteria provided, multiple submitters, no conflicts (2 of 4 stars). 2 submissions from 2 submitters: Uncertain significance (2). Last evaluated 2025-06-23.

Conditions:
Pheochromocytoma/paraganglioma syndrome 5. Also called: Paragangliomas 5; SDHA-Related Hereditary Paraganglioma-Pheochromocytoma Syndrome. Identifiers: Orphanet 29072, MedGen C3279992, MONDO:0013602, OMIM 614165.
Mitochondrial complex II deficiency, nuclear type 1. Also called: SUCCINATE CoQ REDUCTASE DEFICIENCY. Identifiers: Orphanet 3208, MedGen C5700310, MONDO:0100294, OMIM 252011.
Hereditary cancer-predisposing syndrome. Also called: Tumor predisposition; Hereditary neoplastic syndrome; Neoplastic Syndromes, Hereditary; Hereditary Cancer Syndrome. Identifiers: Orphanet 140162, MedGen C0027672, MeSH D009386, MONDO:0015356.

Allele frequency attached by ClinVar (database versions not stated): gnomAD exomes below 0.00001; ExAC 0.00001; gnomAD 0.00001.
gnomAD v4.1: 4 of 1,613,714 alleles (0.00025%); highest among the groups gnomAD compares: South Asian, 0.0022%; no homozygotes.

Submissions (2):

Labcorp Genetics (formerly Invitae), Labcorp
Classification: Uncertain significance for Pheochromocytoma/paraganglioma syndrome 5; Mitochondrial complex II deficiency, nuclear type 1. Last evaluated: 2025-06-23. Review status: criteria provided, single submitter. Criteria: Invitae Variant Classification Sherloc (09022015). Collection method: clinical testing. Allele origin: germline.
Comment: This sequence change replaces histidine, which is basic and polar, with arginine, which is basic and polar, at codon 34 of the SDHA protein (p.His34Arg). This variant is present in population databases (rs757478250, gnomAD 0.0009%). This variant has not been reported in the literature in individuals affected with SDHA-related conditions. ClinVar contains an entry for this variant (Variation ID: 818273). Invitae Evidence Modeling of protein sequence and biophysical properties (such as structural, functional, and spatial information, amino acid conservation, physicochemical variation, residue mobility, and thermodynamic stability) indicates that this missense variant is not expected to disrupt SDHA protein function with a negative predictive value of 95%. In summary, the available evidence is currently insufficient to determine the role of this variant in disease. Therefore, it has been classified as a Variant of Uncertain Significance.

Ambry Genetics
Classification: Uncertain significance for Hereditary cancer-predisposing syndrome. Last evaluated: 2023-11-01. Review status: criteria provided, single submitter. Criteria: Ambry Variant Classification Scheme 2023. Collection method: clinical testing. Allele origin: germline.
Comment: The p.H34R variant (also known as c.101A>G), located in coding exon 2 of the SDHA gene, results from an A to G substitution at nucleotide position 101. The histidine at codon 34 is replaced by arginine, an amino acid with highly similar properties. This amino acid position is well conserved in available vertebrate species. In addition, the in silico prediction for this alteration is inconclusive. Since supporting evidence is limited at this time, the clinical significance of this alteration remains unclear.

Literature cited by the submitters: PubMed 27153395 (cited by Ambry Genetics).

NM_004168.4(SDHA):c.101A>G (p.His34Arg)

Gene: SDHA (succinate dehydrogenase complex flavoprotein subunit A; plus strand). Cytogenetic location: 5p15.33.
Variant type: single nucleotide variant.
Coding change: c.101A>G on transcript NM_004168.4 (MANE Select); coding-DNA position 101, A replaced by G.
Protein change: p.His34Arg; replaces histidine 34 with arginine.
Molecular consequence: missense variant.
Genome position (GRCh38, 1-based): chr5:223,519, A>G. VCF-style: chr5-223519-A-G. GRCh37 (hg19) VCF-style: chr5-223634-A-G.
Other names: c.101A>G, p.His34Arg (NM_001294332.2, NM_001330758.2); short protein forms H34R.
Identifiers: ClinVar variation 818273 (VCV000818273.12), dbSNP rs757478250, ClinGen allele CA3172717.